The following is an entry in ClinVar:

NM_006343.3(MERTK):c.280_281del (p.Leu94fs)

Gene: MERTK (MER proto-oncogene, tyrosine kinase; plus strand). Cytogenetic location: 2q13.
Variant type: Microsatellite.
Coding change: c.280_281del on transcript NM_006343.3 (MANE Select); coding-DNA positions 280 to 281, 2 bases deleted (CT; older notation c.280_281delCT).
Protein change: p.Leu94fs; shifts the reading frame from leucine 94.
Molecular consequence: frameshift variant.
Genome position (GRCh38, 1-based): chr2:111,929,338-111,929,339, CT deleted; deleting any 2 consecutive bases within chr2:111,929,336-111,929,339 gives the same sequence; the c. name uses the placement nearest the transcript's 3' end. VCF-style (leftmost placement, unchanged base first): chr2-111929335-CCT-C. GRCh37 (hg19) VCF-style: chr2-112686912-CCT-C.
Other names: short protein forms L94fs.
Identifiers: ClinVar variation 2115879 (VCV002115879.4), dbSNP rs2466746923, ClinGen allele CA2580611687.
Genomic context (GRCh38, chr2:111,929,335, plus strand): 5'-CCACATACAGGAAACGTAGCCATTCCCCAGGTGACCTCTGTCGAATCAAAGCCCCTACCG[CCT>C]CTTGCCTTCAAACACACAGTTGGACACATAATACTTTCTGAACATAAAGGTGTCAAATTT-3'

ClinVar aggregate classification (germline): Pathogenic (1 of 4 stars; one submission).

Submission:

Labcorp Genetics (formerly Invitae), Labcorp
Classification: Pathogenic. Last evaluated: 2022-04-18. Review status: criteria provided, single submitter. Criteria: Invitae Variant Classification Sherloc (09022015). Collection method: clinical testing. Allele origin: germline.
Comment: This sequence change creates a premature translational stop signal (p.Leu94Cysfs*13) in the MERTK gene. It is expected to result in an absent or disrupted protein product. Loss-of-function variants in MERTK are known to be pathogenic (PMID: 24265693, 29659094). This variant is not present in population databases (gnomAD no frequency). This variant has not been reported in the literature in individuals affected with MERTK-related conditions. For these reasons, this variant has been classified as Pathogenic.

Literature cited by the submitters: PubMed 24265693; PubMed 29659094.